The following is an entry in ClinVar:

ClinVar aggregate classification (germline): Uncertain significance (1 of 4 stars; one submission).

Submission:

Labcorp Genetics (formerly Invitae), Labcorp
Classification: Uncertain significance. Last evaluated: 2025-10-15. Review status: criteria provided, single submitter. Criteria: Invitae Variant Classification Sherloc (09022015). Collection method: clinical testing. Allele origin: germline.
Comment: This sequence change creates a premature translational stop signal (p.Val65Leufs*17) in the KCNJ13 gene. It is expected to result in an absent or disrupted protein product. However, the current clinical and genetic evidence is not sufficient to establish whether loss-of-function variants in KCNJ13 cause disease. This variant is not present in population databases (gnomAD no frequency). This variant has not been reported in the literature in individuals affected with KCNJ13-related conditions. In summary, the available evidence is currently insufficient to determine the role of this variant in disease. Therefore, it has been classified as a Variant of Uncertain Significance.

NM_002242.4(KCNJ13):c.193del (p.Val65fs)

Genes: GIGYF2 (GRB10 interacting GYF protein 2; plus strand), KCNJ13 (potassium inwardly rectifying channel subfamily J member 13; minus strand). Cytogenetic location: 2q37.1.
Variant type: Deletion.
Coding change: c.193del on transcript NM_002242.4 (MANE Select); coding-DNA position 193, one base deleted (G; older notation c.193delG).
Protein change: p.Val65fs; shifts the reading frame from valine 65.
Molecular consequence: frameshift variant. On other transcripts: intron variant (5).
Genome position (GRCh38, 1-based): chr2:232,771,170, C deleted on the plus strand (G on the coding strand, the reverse complement: KCNJ13 is on the minus strand). VCF-style (leftmost placement, unchanged base first): chr2-232771169-AC-A. GRCh37 (hg19) VCF-style: chr2-233635879-AC-A.
Other names: c.193del, p.Val65fs (NM_001172416.1); c.532+9734del (NM_001103146.3, NM_015575.4, NM_001103148.2); c.533-5242del (NM_001103147.2); c.-23-25del (NM_001172417.1); short protein forms V65fs.
Identifiers: ClinVar variation 4798806 (VCV004798806.1).